The following is an entry in ClinVar:

ClinVar aggregate classification (germline): Uncertain significance (1 of 4 stars; one submission).

Conditions:
Long QT syndrome (LQTS). Identifiers: MedGen C0023976, MeSH D008133, MONDO:0002442. Disease mechanism: loss of function. Inheritance: Various modes of inheritance.

gnomAD v4.1: 3 of 1,597,454 alleles (0.00019%); highest among the groups gnomAD compares: African/African-American, 0.0013%; no homozygotes.

Submission:

Labcorp Genetics (formerly Invitae), Labcorp
Classification: Uncertain significance for Long QT syndrome. Last evaluated: 2025-03-18. Review status: criteria provided, single submitter. Criteria: Invitae Variant Classification Sherloc (09022015). Collection method: clinical testing. Allele origin: germline.
Comment: This sequence change replaces arginine, which is basic and polar, with glycine, which is neutral and non-polar, at codon 116 of the KCNQ1 protein (p.Arg116Gly). This variant is not present in population databases (gnomAD no frequency). This missense change has been observed in individual(s) with long QT syndrome (internal data). Invitae Evidence Modeling of protein sequence and biophysical properties (such as structural, functional, and spatial information, amino acid conservation, physicochemical variation, residue mobility, and thermodynamic stability) indicates that this missense variant is expected to disrupt KCNQ1 protein function with a positive predictive value of 95%. In summary, the available evidence is currently insufficient to determine the role of this variant in disease. Therefore, it has been classified as a Variant of Uncertain Significance.

NM_000218.3(KCNQ1):c.346C>G (p.Arg116Gly)

Gene: KCNQ1 (potassium voltage-gated channel subfamily Q member 1; plus strand). Cytogenetic location: 11p15.5.
Variant type: single nucleotide variant.
Coding change: c.346C>G on transcript NM_000218.3 (MANE Select); coding-DNA position 346, C replaced by G.
Protein change: p.Arg116Gly; replaces arginine 116 with glycine.
Molecular consequence: missense variant. On other transcripts: 5 prime UTR variant (1).
Genome position (GRCh38, 1-based): chr11:2,445,444, C>G. VCF-style: chr11-2445444-C-G. GRCh37 (hg19) VCF-style: chr11-2466674-C-G.
Other names: c.346C>G, p.Arg116Gly (NM_001406836.1, NM_001406838.1); c.-17C>G (NM_001406837.1); short protein forms R116G.
Identifiers: ClinVar variation 4709532 (VCV004709532.1).
Genomic context (GRCh38, chr11:2,445,444, plus strand): 5'-ACGCGCCGCCCGGTGTTGGCGCGCACCCACGTCCAGGGCCGCGTCTACAACTTCCTCGAG[C>G]GTCCCACCGGCTGGAAATGCTTCGTTTACCACTTCGCCGTGTGAGTATCGCCACCGGCGA-3'
Protein context (NP_000209.2, residues 106-126): VQGRVYNFLE[Arg116Gly]PTGWKCFVYH